The following is an entry in ClinVar:

NM_014714.4(IFT140):c.525C>G (p.Ser175Arg)

Genes: IFT140 (intraflagellar transport 140; minus strand), LOC105371046 (uncharacterized LOC105371046; plus strand). Cytogenetic location: 16p13.3.
Variant type: single nucleotide variant.
Coding change: c.525C>G on transcript NM_014714.4 (MANE Select); coding-DNA position 525, C replaced by G.
Protein change: p.Ser175Arg; replaces serine 175 with arginine.
Molecular consequence: missense variant.
Genome position (GRCh38, 1-based): chr16:1,592,285, G>C on the plus strand (C>G on the coding strand, the complement: IFT140 is on the minus strand). VCF-style: chr16-1592285-G-C. GRCh37 (hg19) VCF-style: chr16-1642286-G-C.
Other names: short protein forms S175R.
Identifiers: ClinVar variation 1058083 (VCV001058083.6), dbSNP rs772378665, ClinGen allele CA7814666.

ClinVar aggregate classification (germline): Uncertain significance (1 of 4 stars; one submission).

Conditions:
Saldino-Mainzer syndrome (SRTD9). Also called: CONORENAL SYNDROME; Renal dysplasia, retinal pigmentary dystrophy, cerebellar ataxia and skeletal dysplasia; short-rib thoracic dysplasia 9 with or without polydactyly; SHORT-RIB THORACIC DYSPLASIA 9 WITHOUT POLYDACTYLY. Identifiers: Orphanet 140969, MedGen C1849437, MONDO:0009964, OMIM 266920.

gnomAD v4.1: 7 of 1,613,990 alleles (0.00043%); highest among the groups gnomAD compares: Admixed American, 0.0017%; no homozygotes.

Submission:

Labcorp Genetics (formerly Invitae), Labcorp
Classification: Uncertain significance for Saldino-Mainzer syndrome. Last evaluated: 2022-06-01. Review status: criteria provided, single submitter. Criteria: Invitae Variant Classification Sherloc (09022015). Collection method: clinical testing. Allele origin: germline.
Comment: This sequence change replaces serine, which is neutral and polar, with arginine, which is basic and polar, at codon 175 of the IFT140 protein (p.Ser175Arg). This variant is present in population databases (rs772378665, gnomAD 0.002%). This variant has not been reported in the literature in individuals affected with IFT140-related conditions. ClinVar contains an entry for this variant (Variation ID: 1058083). Algorithms developed to predict the effect of missense changes on protein structure and function are either unavailable or do not agree on the potential impact of this missense change (SIFT: "Deleterious"; PolyPhen-2: "Benign"; Align-GVGD: "Class C0"). In summary, the available evidence is currently insufficient to determine the role of this variant in disease. Therefore, it has been classified as a Variant of Uncertain Significance.